The following is an entry in ClinVar:

ClinVar aggregate classification (germline): Conflicting classifications of pathogenicity. Review status: criteria provided, conflicting classifications (1 of 4 stars). 3 submissions from 3 submitters: Uncertain significance (1); Likely benign (2). Last evaluated 2025-10-07.

Conditions:
Multiple endocrine neoplasia, type 2 (MEN2). Identifiers: Orphanet 653, MedGen C4048306, MONDO:0019003. Disease mechanism: gain of function.
Multiple endocrine neoplasia type 2A. Also called: Multiple Endocrine Neoplasia Type 2A (MEN2A); MULTIPLE ENDOCRINE NEOPLASIA, TYPE IIA; PTC SYNDROME; SIPPLE SYNDROME; MEN 2A; MEN-2A syndrome. Identifiers: Orphanet 247698, Orphanet 653, MedGen C0025268, MeSH D018813, MONDO:0008234, OMIM 171400.

Allele frequency attached by ClinVar (database versions not stated): ExAC below 0.00001; gnomAD exomes below 0.00001.
gnomAD v4.1: 2 of 1,552,006 alleles (0.00013%); highest among the groups gnomAD compares: Non-Finnish European, 0.00017%; no homozygotes.

Submissions (3):

Labcorp Genetics (formerly Invitae), Labcorp
Classification: Likely benign for Multiple endocrine neoplasia, type 2. Last evaluated: 2025-10-07. Review status: criteria provided, single submitter. Criteria: Invitae Variant Classification Sherloc (09022015). Collection method: clinical testing. Allele origin: germline.

Myriad Genetics, Inc.
Classification: Likely benign for Multiple endocrine neoplasia type 2A. Last evaluated: 2025-02-25. Review status: criteria provided, single submitter. Criteria: Myriad Autosomal Dominant, Autosomal Recessive and X-Linked Classification Criteria (2023). Collection method: clinical testing. Allele origin: unknown.
Comment: This variant is considered likely benign. This variant is intronic and is not expected to impact mRNA splicing.

Genetic Services Laboratory, University of Chicago
Classification: Uncertain significance. Last evaluated: 2019-11-25. Review status: criteria provided, single submitter. Criteria: ACMG Guidelines, 2015. Collection method: clinical testing. Allele origin: germline. Affected: no.

NM_020975.6(RET):c.1648+10G>A

Gene: RET (ret proto-oncogene; plus strand). Cytogenetic location: 10q11.21.
Variant type: single nucleotide variant.
Coding change: c.1648+10G>A on transcript NM_020975.6 (MANE Select); 10 bases into the intron after coding-DNA position 1648, G replaced by A.
Molecular consequence: intron variant.
Genome position (GRCh38, 1-based): chr10:43,112,234, G>A. VCF-style: chr10-43112234-G-A. GRCh37 (hg19) VCF-style: chr10-43607682-G-A.
Other names: c.1648+10G>A (NM_020630.7, NM_001406743.1, NM_001406744.1 and 4 more transcripts); c.1252+10G>A (NM_001406772.1, NM_001406769.1); c.1210+10G>A (NM_001406773.1, NM_001406771.1); c.751+10G>A (NM_001406782.1, NM_001406780.1, NM_001406779.1 and 3 more transcripts); c.1519+10G>A (NM_001406764.1, NM_001406762.1, NM_001406761.1 and 1 more transcripts); c.1123+10G>A (NM_001406774.1); c.622+10G>A (NM_001406786.1, NM_001406783.1); c.1360+10G>A (NM_001406770.1, NM_001406766.1, NM_001406767.1); and 5 more.
Identifiers: ClinVar variation 723375 (VCV000723375.16), dbSNP rs762545740, ClinGen allele CA034739.